The following is an entry in ClinVar:

ClinVar aggregate classification (germline): Uncertain significance (1 of 4 stars; one submission).

Conditions:
Hereditary cancer-predisposing syndrome. Also called: Hereditary Cancer Syndrome; Neoplastic Syndromes, Hereditary; Tumor predisposition; Hereditary neoplastic syndrome. Identifiers: Orphanet 140162, MedGen C0027672, MeSH D009386, MONDO:0015356.

Submission:

Ambry Genetics
Classification: Uncertain significance for Hereditary cancer-predisposing syndrome. Last evaluated: 2026-06-27. Review status: criteria provided, single submitter. Criteria: Ambry Variant Classification Scheme 2023. Collection method: clinical testing. Allele origin: germline.
Comment: The p.W1366G variant (also known as c.4096T>G), located in coding exon 28 of the ALK gene, results from a T to G substitution at nucleotide position 4096. The tryptophan at codon 1366 is replaced by glycine, an amino acid with highly dissimilar properties. This amino acid position is conserved. In addition, this alteration is predicted to be deleterious by in silico analysis. Based on the available evidence, the clinical significance of this variant remains unclear.

NM_004304.5(ALK):c.4096T>G (p.Trp1366Gly)

Gene: ALK (ALK receptor tyrosine kinase; minus strand). Cytogenetic location: 2p23.2.
Variant type: single nucleotide variant.
Coding change: c.4096T>G on transcript NM_004304.5 (MANE Select); coding-DNA position 4096, T replaced by G.
Protein change: p.Trp1366Gly; replaces tryptophan 1366 with glycine.
Molecular consequence: missense variant.
Genome position (GRCh38, 1-based): chr2:29,196,838, A>C on the plus strand (T>G on the coding strand, the complement: ALK is on the minus strand). VCF-style: chr2-29196838-A-C. GRCh37 (hg19) VCF-style: chr2-29419704-A-C.
Other names: c.892T>G, p.Trp298Gly (NM_001353765.2); short protein forms W298G, W1366G.
Identifiers: ClinVar variation 5035080 (VCV005035080.1).